The following is an entry in ClinVar:

ClinVar aggregate classification (germline): Uncertain significance. Review status: criteria provided, multiple submitters, no conflicts (2 of 4 stars). 2 submissions from 2 submitters: Uncertain significance (2). Last evaluated 2024-01-16.

Conditions:
Seizures, benign familial infantile, 3 (BFIS3). Also called: CONVULSIONS, BENIGN FAMILIAL INFANTILE, 3; Familial neonatal seizures. Identifiers: Orphanet 140927, Orphanet 306, MedGen C1843140, MONDO:0011904, OMIM 607745.
Developmental and epileptic encephalopathy, 11 (DEE11). Also called: Early infantile epileptic encephalopathy 11. Identifiers: Orphanet 1934, MedGen C3150987, MONDO:0013388, OMIM 613721.

Submissions (2):

GeneDx
Classification: Uncertain significance. Last evaluated: 2024-01-16. Review status: criteria provided, single submitter. Criteria: GeneDx Variant Classification Process June 2021. Collection method: clinical testing. Allele origin: germline. Affected: yes.
Comment: Not observed at significant frequency in large population cohorts (gnomAD); Missense variants in this gene are a common cause of disease and they are underrepresented in the general population; In silico analysis supports that this missense variant has a deleterious effect on protein structure/function; This substitution is predicted to be within the repeat I and the Pore-forming domain; Has not been previously published as pathogenic or benign to our knowledge

Labcorp Genetics (formerly Invitae), Labcorp
Classification: Uncertain significance for Seizures, benign familial infantile, 3; Developmental and epileptic encephalopathy, 11. Last evaluated: 2022-07-09. Review status: criteria provided, single submitter. Criteria: Invitae Variant Classification Sherloc (09022015). Collection method: clinical testing. Allele origin: germline.
Comment: This variant has not been reported in the literature in individuals affected with SCN2A-related conditions. In summary, the available evidence is currently insufficient to determine the role of this variant in disease. Therefore, it has been classified as a Variant of Uncertain Significance. Algorithms developed to predict the effect of missense changes on protein structure and function are either unavailable or do not agree on the potential impact of this missense change (SIFT: "Deleterious"; PolyPhen-2: "Probably Damaging"; Align-GVGD: "Class C0"). This variant is not present in population databases (gnomAD no frequency). This sequence change replaces leucine, which is neutral and non-polar, with histidine, which is basic and polar, at codon 389 of the SCN2A protein (p.Leu389His).

NM_001040142.2(SCN2A):c.1166T>A (p.Leu389His)

Gene: SCN2A (sodium voltage-gated channel alpha subunit 2; plus strand). Cytogenetic location: 2q24.3.
Variant type: single nucleotide variant.
Coding change: c.1166T>A on transcript NM_001040142.2 (MANE Select); coding-DNA position 1166, T replaced by A.
Protein change: p.Leu389His; replaces leucine 389 with histidine.
Molecular consequence: missense variant.
Genome position (GRCh38, 1-based): chr2:165,313,751, T>A. VCF-style: chr2-165313751-T-A. GRCh37 (hg19) VCF-style: chr2-166170261-T-A.
Other names: c.1166T>A (NM_021007.2); c.1166T>A, p.Leu389His (NM_001040143.2, NM_001371246.1, NM_001371247.1 and 1 more transcripts); short protein forms L389H.
Identifiers: ClinVar variation 2015386 (VCV002015386.5), dbSNP rs2467901541, ClinGen allele CA349021293.